The following is an entry in ClinVar:

NM_001365999.1(SZT2):c.610C>T (p.Gln204Ter)

Gene: SZT2 (SZT2 subunit of KICSTOR complex; plus strand). Cytogenetic location: 1p34.2.
Variant type: single nucleotide variant.
Coding change: c.610C>T on transcript NM_001365999.1 (MANE Select); coding-DNA position 610, C replaced by T.
Protein change: p.Gln204Ter; replaces glutamine 204 with a stop codon.
Molecular consequence: nonsense.
Genome position (GRCh38, 1-based): chr1:43,415,193, C>T. VCF-style: chr1-43415193-C-T. GRCh37 (hg19) VCF-style: chr1-43880864-C-T.
Other names: c.610C>T, p.Gln204Ter (NM_015284.4); short protein forms Q204*.
Identifiers: ClinVar variation 940261 (VCV000940261.7), dbSNP rs1651557199, ClinGen allele CA340001174.
Genomic context (GRCh38, chr1:43,415,193, plus strand): 5'-CAGCAGATATATGAGCAGCTCTGCCTCTTTGAGGATAAGGTGGCCACCATGCTGCAGCAG[C>T]AGTACGATCCCCAGAGCCAGGTATGTAAGAGAGAAAGTGGGCAGAGGCAACTTAGAAAGA-3'

ClinVar aggregate classification (germline): Pathogenic (1 of 4 stars; one submission).

Allele frequency attached by ClinVar (database versions not stated): gnomAD exomes below 0.00001.

Submission:

Labcorp Genetics (formerly Invitae), Labcorp
Classification: Pathogenic. Last evaluated: 2019-08-27. Review status: criteria provided, single submitter. Criteria: Invitae Variant Classification Sherloc (09022015). Collection method: clinical testing. Allele origin: germline.
Comment: For these reasons, this variant has been classified as Pathogenic. Loss-of-function variants in SZT2 are known to be pathogenic (PMID: 23932106, 27248490, 28556953). This variant has not been reported in the literature in individuals with SZT2-related conditions. This variant is not present in population databases (ExAC no frequency). This sequence change creates a premature translational stop signal (p.Gln204*) in the SZT2 gene. It is expected to result in an absent or disrupted protein product.

Literature cited by the submitters: PubMed 23932106; PubMed 27248490; PubMed 28556953.